The following is an entry in ClinVar:

NM_007294.4(BRCA1):c.2564A>T (p.Gln855Leu)

Gene: BRCA1 (BRCA1 DNA repair associated; minus strand). Cytogenetic location: 17q21.31.
Variant type: single nucleotide variant.
Coding change: c.2564A>T on transcript NM_007294.4 (MANE Select); coding-DNA position 2564, A replaced by T.
Protein change: p.Gln855Leu; replaces glutamine 855 with leucine.
Molecular consequence: missense variant. On other transcripts: intron variant (137).
Genome position (GRCh38, 1-based): chr17:43,092,967, T>A on the plus strand (A>T on the coding strand, the complement: BRCA1 is on the minus strand). VCF-style: chr17-43092967-T-A. GRCh37 (hg19) VCF-style: chr17-41244984-T-A.
Other names: c.2363A>T, p.Gln788Leu (NM_001407862.1); c.2441A>T, p.Gln814Leu (NM_001407863.1, NM_001407919.1, NM_001407937.1 and 19 more transcripts); c.2360A>T, p.Gln787Leu (NM_001407874.1, NM_001407875.1); c.2354A>T, p.Gln785Leu (NM_001407879.1, NM_001407881.1, NM_001407882.1 and 13 more transcripts); c.2351A>T, p.Gln784Leu (NM_001407894.1, NM_001407895.1, NM_001407896.1 and 9 more transcripts); c.2300A>T, p.Gln767Leu (NM_001407920.1, NM_001407921.1, NM_001407922.1 and 9 more transcripts); c.2297A>T, p.Gln766Leu (NM_001407930.1, NM_001407931.1, NM_001407932.1 and 2 more transcripts); c.2438A>T, p.Gln813Leu (NM_001407940.1, NM_001407941.1, NM_001407649.1 and 11 more transcripts); and 41 more; short protein forms Q855L, Q808L, Q743L, Q784L, Q727L, Q728L, Q807L, Q854L.
Identifiers: ClinVar variation 491047 (VCV000491047.15), dbSNP rs768001441, ClinGen allele CA058462.

ClinVar aggregate classification (germline): Conflicting classifications of pathogenicity. Review status: criteria provided, conflicting classifications (1 of 4 stars). 3 submissions from 3 submitters: Uncertain significance (2); Likely benign (1). Last evaluated 2023-03-23.

Conditions:
Hereditary cancer-predisposing syndrome. Also called: Hereditary Cancer Syndrome; Neoplastic Syndromes, Hereditary; Tumor predisposition; Hereditary neoplastic syndrome. Identifiers: Orphanet 140162, MedGen C0027672, MeSH D009386, MONDO:0015356.
Hereditary breast ovarian cancer syndrome. Also called: Breast and ovarian cancer; Hereditary breast and/or ovarian cancer syndrome; Hereditary breast and ovarian cancer; Hereditary breast and ovarian cancer syndrome (HBOC); BRCA1- and BRCA2-Associated Hereditary Breast and Ovarian Cancer; Hereditary breast and ovarian cancer syndrome. Identifiers: Orphanet 145, MedGen C0677776, MeSH D061325, MONDO:0003582. Disease mechanism: loss of function.

Allele frequency attached by ClinVar (database versions not stated): gnomAD exomes 0.00001; ExAC 0.00002.
gnomAD v4.1: 2 of 1,613,508 alleles (0.00012%); highest among the groups gnomAD compares: Non-Finnish European, 0.00017%; no homozygotes.

Submissions (3):

University of Washington Department of Laboratory Medicine, University of Washington
Classification: Likely benign for Hereditary cancer-predisposing syndrome. Last evaluated: 2023-03-23. Review status: criteria provided, single submitter. Criteria: Dines et al. (Genet Med. 2020). Collection method: curation. Allele origin: germline.
Comment: Missense variant in a coldspot region where missense variants are very unlikely to be pathogenic (PMID:31911673).

BRCA1 coldspot (exon 11 using historical exon numbering). Reclassification based on statistical prior probability

Labcorp Genetics (formerly Invitae), Labcorp
Classification: Uncertain significance for Hereditary breast ovarian cancer syndrome. Last evaluated: 2022-05-27. Review status: criteria provided, single submitter. Criteria: Invitae Variant Classification Sherloc (09022015). Collection method: clinical testing. Allele origin: germline.
Comment: In summary, the available evidence is currently insufficient to determine the role of this variant in disease. Therefore, it has been classified as a Variant of Uncertain Significance. Algorithms developed to predict the effect of missense changes on protein structure and function are either unavailable or do not agree on the potential impact of this missense change (SIFT: "Tolerated"; PolyPhen-2: "Probably Damaging"; Align-GVGD: "Class C0"). ClinVar contains an entry for this variant (Variation ID: 491047). This variant has not been reported in the literature in individuals affected with BRCA1-related conditions. This variant is present in population databases (rs768001441, gnomAD 0.002%). This sequence change replaces glutamine, which is neutral and polar, with leucine, which is neutral and non-polar, at codon 855 of the BRCA1 protein (p.Gln855Leu).

Color Diagnostics, LLC DBA Color Health
Classification: Uncertain significance for Hereditary cancer-predisposing syndrome. Last evaluated: 2019-04-10. Review status: criteria provided, single submitter. Criteria: ACMG Guidelines, 2015. Collection method: clinical testing. Allele origin: germline.